The following is an entry in ClinVar:

NM_000094.4(COL7A1):c.6456+1del

Gene: COL7A1 (collagen type VII alpha 1 chain; minus strand). Cytogenetic location: 3p21.31.
Variant type: Deletion.
Coding change: c.6456+1del on transcript NM_000094.4 (MANE Select); the canonical splice donor site of the intron after coding-DNA position 6456, one base deleted (G; older notation c.6456+1delG).
Molecular consequence: splice donor variant.
Genome position (GRCh38, 1-based): chr3:48,574,487, C deleted on the plus strand (G on the coding strand, the reverse complement: COL7A1 is on the minus strand); the first of 2 consecutive C bases (chr3:48,574,487-48,574,488); deleting either gives the same sequence. VCF-style (leftmost placement, unchanged base first): chr3-48574486-AC-A. GRCh37 (hg19) VCF-style: chr3-48611919-AC-A.
Identifiers: ClinVar variation 5004814 (VCV005004814.1).

ClinVar aggregate classification (germline): Uncertain significance (1 of 4 stars; one submission).

Conditions:
Recessive dystrophic epidermolysis bullosa (RDEB). Also called: Epidermolysis Bullosa Distrophica Autosomal Recessive (RDEB); Recessive DEB (RDEB); DYSTROPHIC EPIDERMOLYSIS BULLOSA, AUTOSOMAL RECESSIVE; EPIDERMOLYSIS BULLOSA DYSTROPHICA, HALLOPEAU-SIEMENS TYPE; severe generalized recessive dystrophic epidermolysis bullosa; epidermolysis bullosa dystrophica, autosomal recessive. Identifiers: Orphanet 79408, Orphanet 79409, MedGen C0079474, MONDO:0009179, OMIM 226600.

Submission:

Myriad Genetics, Inc.
Classification: Uncertain significance for Recessive dystrophic epidermolysis bullosa. Last evaluated: 2026-07-29. Review status: criteria provided, single submitter. Criteria: Myriad Autosomal Dominant, Autosomal Recessive and X-Linked Classification Criteria (2023). Collection method: clinical testing. Allele origin: unknown.
Comment: NM_000094.3(COL7A1):c.6456+1delG is a variant in a canonical splice site classified as a variant of uncertain significance in the context of dystrophic epidermolysis bullosa. c.6456+1delG has not been observed in cases with relevant disease. Relevant functional assessments of this variant are not available in the literature. c.6456+1delG has not been observed in referenced population frequency databases. In summary, there is insufficient evidence to classify NM_000094.3(COL7A1):c.6456+1delG as pathogenic or benign. Please note: this variant was assessed in the context of healthy population screening.